The following is an entry in ClinVar:

NM_000073.3(CD3G):c.326A>G (p.Glu109Gly)

Genes: CD3G (CD3 gamma subunit of T-cell receptor complex; plus strand), LOC126861358 (BRD4-independent group 4 enhancer GRCh37_chr11:118220212-118221411; plus strand). Cytogenetic location: 11q23.3.
Variant type: single nucleotide variant.
Coding change: c.326A>G on transcript NM_000073.3 (MANE Select); coding-DNA position 326, A replaced by G.
Protein change: p.Glu109Gly; replaces glutamic acid 109 with glycine.
Molecular consequence: missense variant.
Genome position (GRCh38, 1-based): chr11:118,350,570, A>G. VCF-style: chr11-118350570-A-G. GRCh37 (hg19) VCF-style: chr11-118221285-A-G.
Other names: short protein forms E109G.
Identifiers: ClinVar variation 644192 (VCV000644192.9), dbSNP rs747479547, ClinGen allele CA6302158.

ClinVar aggregate classification (germline): Uncertain significance (1 of 4 stars; one submission).

Conditions:
Combined immunodeficiency due to CD3gamma deficiency. Also called: Immunodeficiency 17; CD3-GAMMA DEFICIENCY; SCID-LIKE IMMUNODEFICIENCY, T CELL-PARTIAL, B CELL-POSITIVE, NK CELL-POSITIVE; Immunodeficiency 17, CD3 gamma deficient. Identifiers: Orphanet 169082, MedGen C3810107, MONDO:0014276, OMIM 615607.

Allele frequency attached by ClinVar (database versions not stated): gnomAD exomes below 0.00001; ExAC 0.00001.
gnomAD v4.1: 1 of 1,613,922 alleles (0.000062%); no homozygotes.

Submission:

Labcorp Genetics (formerly Invitae), Labcorp
Classification: Uncertain significance for Combined immunodeficiency due to CD3gamma deficiency. Last evaluated: 2023-07-17. Review status: criteria provided, single submitter. Criteria: Invitae Variant Classification Sherloc (09022015). Collection method: clinical testing. Allele origin: germline.
Comment: In summary, the available evidence is currently insufficient to determine the role of this variant in disease. Therefore, it has been classified as a Variant of Uncertain Significance. An algorithm developed to predict the effect of missense changes on protein structure and function (PolyPhen-2) suggests that this variant is likely to be disruptive. ClinVar contains an entry for this variant (Variation ID: 644192). This variant has not been reported in the literature in individuals affected with CD3G-related conditions. This variant is present in population databases (rs747479547, gnomAD no frequency). This sequence change replaces glutamic acid, which is acidic and polar, with glycine, which is neutral and non-polar, at codon 109 of the CD3G protein (p.Glu109Gly).